The following is an entry in ClinVar:

NM_000138.5(FBN1):c.6242A>G (p.Gln2081Arg)

Gene: FBN1 (fibrillin 1; minus strand). Cytogenetic location: 15q21.1.
Variant type: single nucleotide variant.
Coding change: c.6242A>G on transcript NM_000138.5 (MANE Select); coding-DNA position 6242, A replaced by G.
Protein change: p.Gln2081Arg; replaces glutamine 2081 with arginine.
Molecular consequence: missense variant.
Genome position (GRCh38, 1-based): chr15:48,437,839, T>C on the plus strand (A>G on the coding strand, the complement: FBN1 is on the minus strand). VCF-style: chr15-48437839-T-C. GRCh37 (hg19) VCF-style: chr15-48730036-T-C.
Other names: c.6242A>G, p.Gln2081Arg (NM_001406716.1); short protein forms Q2081R.
Identifiers: ClinVar variation 2581997 (VCV002581997.1), dbSNP rs2505438692, ClinGen allele CA392337047.
Genomic context (GRCh38, chr15:48,437,839, plus strand): 5'-GTGGGGCAGAGCTCGCAGGGGTCTCCCCAGCCTTCTCCCTTCAAGGCACAGCAGCATTCC[T>C]GCTTGGAGTGATTTCTGGATTTGGGTGATGAACACTTTCCTCCTTCAAACTTCGCATAAC-3'
Protein context (NP_000129.3, residues 2071-2091): SSPKSRNHSK[Gln2081Arg]ECCCALKGEG

ClinVar aggregate classification (germline): Uncertain significance (1 of 4 stars; one submission).

Submission:

GeneDx
Classification: Uncertain significance. Last evaluated: 2023-03-26. Review status: criteria provided, single submitter. Criteria: GeneDx Variant Classification Process June 2021. Collection method: clinical testing. Allele origin: germline. Affected: yes.
Comment: Not observed at significant frequency in large population cohorts (gnomAD); In silico analysis supports that this missense variant does not alter protein structure/function; Has not been previously published as pathogenic or benign to our knowledge